The following is an entry in ClinVar:

ClinVar aggregate classification (germline): Uncertain significance. Review status: criteria provided, multiple submitters, no conflicts (2 of 4 stars). 5 submissions from 5 submitters: Uncertain significance (5). Last evaluated 2024-08-22.

Conditions:
MSH6-related disorder. Also called: MSH6-Related disorders; MSH6-related condition.
Hereditary cancer-predisposing syndrome. Also called: Hereditary neoplastic syndrome; Hereditary Cancer Syndrome; Neoplastic Syndromes, Hereditary; Tumor predisposition. Identifiers: Orphanet 140162, MedGen C0027672, MeSH D009386, MONDO:0015356.
Hereditary nonpolyposis colorectal neoplasms. Identifiers: MedGen C0009405, MeSH D003123.

Submissions (5):

Labcorp Genetics (formerly Invitae), Labcorp
Classification: Uncertain significance for Hereditary nonpolyposis colorectal neoplasms. Last evaluated: 2024-08-22. Review status: criteria provided, single submitter. Criteria: Invitae Variant Classification Sherloc (09022015). Collection method: clinical testing. Allele origin: germline.
Comment: This sequence change replaces glutamic acid, which is acidic and polar, with lysine, which is basic and polar, at codon 255 of the MSH6 protein (p.Glu255Lys). This variant is not present in population databases (gnomAD no frequency). This variant has not been reported in the literature in individuals affected with MSH6-related conditions. ClinVar contains an entry for this variant (Variation ID: 234629). Invitae Evidence Modeling of protein sequence and biophysical properties (such as structural, functional, and spatial information, amino acid conservation, physicochemical variation, residue mobility, and thermodynamic stability) indicates that this missense variant is not expected to disrupt MSH6 protein function with a negative predictive value of 95%. In summary, the available evidence is currently insufficient to determine the role of this variant in disease. Therefore, it has been classified as a Variant of Uncertain Significance.

Ambry Genetics
Classification: Uncertain significance for Hereditary cancer-predisposing syndrome. Last evaluated: 2024-01-08. Review status: criteria provided, single submitter. Criteria: Ambry Variant Classification Scheme 2023. Collection method: clinical testing. Allele origin: germline.
Comment: The p.E255K variant (also known as c.763G>A), located in coding exon 4 of the MSH6 gene, results from a G to A substitution at nucleotide position 763. The glutamic acid at codon 255 is replaced by lysine, an amino acid with similar properties. This amino acid position is not well conserved in available vertebrate species. In addition, the in silico prediction for this alteration is inconclusive. Since supporting evidence is limited at this time, the clinical significance of this alteration remains unclear.

Color Diagnostics, LLC DBA Color Health
Classification: Uncertain significance for Hereditary cancer-predisposing syndrome. Last evaluated: 2023-12-04. Review status: criteria provided, single submitter. Criteria: ACMG Guidelines, 2015. Collection method: clinical testing. Allele origin: germline.
Comment: This missense variant replaces glutamic acid with lysine at codon 255 of the MSH6 protein. Computational prediction suggests that this variant may not impact protein structure and function (internally defined REVEL score threshold <= 0.5, PMID: 27666373). To our knowledge, functional studies have not been reported for this variant. This variant has not been reported in individuals affected with MSH6-related disorders in the literature. This variant has not been identified in the general population by the Genome Aggregation Database (gnomAD). The available evidence is insufficient to determine the role of this variant in disease conclusively. Therefore, this variant is classified as a Variant of Uncertain Significance.

PreventionGenetics, part of Exact Sciences
Classification: Uncertain significance for MSH6-related condition. Last evaluated: 2023-04-20. Review status: criteria provided, single submitter. Criteria: ACMG Guidelines, 2015. Collection method: clinical testing. Allele origin: germline.
Comment: The MSH6 c.763G>A variant is predicted to result in the amino acid substitution p.Glu255Lys. To our knowledge, this variant has not been reported in the literature or in a large population database, indicating this variant is rare. It is interpreted as uncertain significance in ClinVar. At this time, the clinical significance of this variant is uncertain due to the absence of conclusive functional and genetic evidence.

GeneDx
Classification: Uncertain significance. Last evaluated: 2015-11-19. Review status: criteria provided, single submitter. Criteria: GeneDx Variant Classification (06012015). Collection method: clinical testing. Allele origin: germline. Affected: yes.
Comment: This variant is denoted MSH6 c.763G>A at the cDNA level, p.Glu255Lys (E255K) at the protein level, and results in the change of a Glutamic Acid to a Lysine (GAG>AAG). This variant has not, to our knowledge, been published in the literature as pathogenic or benign. MSH6 Glu255Lys was not observed in approximately 6,500 individuals of European and African American ancestry in the NHLBI Exome Sequencing Project, suggesting it is not a common benign variant in these populations. Since Glutamic Acid and Lysine differ in polarity, charge, size or other properties, this is considered a non-conservative amino acid substitution. MSH6 Glu255Lys occurs at a position that is conserved in mammals and is not located in a known functional domain. In silico analyses are inconsistent regarding the effect this variant may have on protein structure and function. Based on currently available evidence, it is unclear whether MSH6 Glu255Lys is a pathogenic or benign variant. We consider it to be a variant of uncertain significance.

NM_000179.3(MSH6):c.763G>A (p.Glu255Lys)

Gene: MSH6 (mutS homolog 6; plus strand). Cytogenetic location: 2p16.3.
Variant type: single nucleotide variant.
Coding change: c.763G>A on transcript NM_000179.3 (MANE Select); coding-DNA position 763, G replaced by A.
Protein change: p.Glu255Lys; replaces glutamic acid 255 with lysine.
Molecular consequence: missense variant. On other transcripts: 5 prime UTR variant (2).
Genome position (GRCh38, 1-based): chr2:47,798,746, G>A. VCF-style: chr2-47798746-G-A. GRCh37 (hg19) VCF-style: chr2-48025885-G-A.
Other names: c.373G>A, p.Glu125Lys (NM_001281492.2); c.-144G>A (NM_001281493.2, NM_001281494.2); short protein forms E255K, E125K.
Identifiers: ClinVar variation 234629 (VCV000234629.14), dbSNP rs876661129, ClinGen allele CA10577255.
Genomic context (GRCh38, chr2:47,798,746, plus strand): 5'-ACACAAGGATCTAGGCGAAGTAGCCGCCAAATAAAAAAACGAAGGGTCATATCAGATTCT[G>A]AGAGTGACATTGGTGGCTCTGATGTGGAATTTAAGCCAGACACTAAGGAGGAAGGAAGCA-3'
Protein context (NP_000170.1, residues 245-265): IKKRRVISDS[Glu255Lys]SDIGGSDVEF